The following is an entry in ClinVar:

ClinVar aggregate classification (germline): Uncertain significance (1 of 4 stars; one submission).

Conditions:
Inborn genetic diseases. Identifiers: MedGen C0950123, MeSH D030342.

gnomAD v4.1: 9 of 1,611,870 alleles (0.00056%); highest among the groups gnomAD compares: Admixed American, 0.0017%; no homozygotes.

Submission:

Ambry Genetics
Classification: Uncertain significance for Inborn genetic diseases. Last evaluated: 2025-12-04. Review status: criteria provided, single submitter. Criteria: Ambry Variant Classification Scheme 2023. Collection method: clinical testing. Allele origin: germline.
Comment: The c.1888C>T (p.P630S) alteration is located in exon 5 (coding exon 3) of the LYST gene. This alteration results from a C to T substitution at nucleotide position 1888, causing the proline (P) at amino acid position 630 to be replaced by a serine (S). Based on data from gnomAD, the T allele has an overall frequency of 0.001% (2/249160) total alleles studied. The highest observed frequency was 0.003% (1/34314) of Latino alleles. Based on insufficient or conflicting evidence, the clinical significance of this alteration remains unclear.

NM_000081.4(LYST):c.1888C>T (p.Pro630Ser)

Gene: LYST (lysosomal trafficking regulator; minus strand). Cytogenetic location: 1q42.3.
Variant type: single nucleotide variant.
Coding change: c.1888C>T on transcript NM_000081.4 (MANE Select); coding-DNA position 1888, C replaced by T.
Protein change: p.Pro630Ser; replaces proline 630 with serine.
Molecular consequence: missense variant.
Genome position (GRCh38, 1-based): chr1:235,808,930, G>A on the plus strand (C>T on the coding strand, the complement: LYST is on the minus strand). VCF-style: chr1-235808930-G-A. GRCh37 (hg19) VCF-style: chr1-235972230-G-A.
Other names: c.1888C>T, p.Pro630Ser (NM_001301365.1); short protein forms P630S.
Identifiers: ClinVar variation 4624063 (VCV004624063.1).